The following is an entry in ClinVar:

ClinVar aggregate classification (germline): Pathogenic. Review status: criteria provided, multiple submitters, no conflicts (2 of 4 stars). 2 submissions from 2 submitters: Pathogenic (2). Last evaluated 2024-06-07.

Conditions:
Mucopolysaccharidosis, MPS-II (MPS2). Also called: Mucopolysaccharidosis with skin involvement; Mucopolysaccharidosis type 2; Attenuated MPS (subtype; formerly known as mild MPS II); Severe MPS II; I2S deficiency; MPS 2. Identifiers: Orphanet 580, Orphanet 79388, MedGen C0026705, MONDO:0010674, OMIM 309900.

Submissions (2):

Laboratory of Diagnosis and Therapy of Lysosomal Disorders, University of Padova
Classification: Pathogenic for Mucopolysaccharidosis, MPS-II. Last evaluated: 2024-06-07. Review status: criteria provided, single submitter. Criteria: ACMG Guidelines, 2015. Collection method: literature only. Allele origin: germline. Affected: yes. Observed: 2 variant alleles.
Comment: Null variant (PVS1_Strong), Absent from controls (or at low frequency) in gnomAD database (PM2_Moderate), Patient’s phenotype or family history highly specific for the disease (PP4_Strong)

Classification method: ACMG Guidelines [PMID:25741868] with modifications

Labcorp Genetics (formerly Invitae), Labcorp
Classification: Pathogenic for Mucopolysaccharidosis, MPS-II. Last evaluated: 2023-04-03. Review status: criteria provided, single submitter. Criteria: Invitae Variant Classification Sherloc (09022015). Collection method: clinical testing. Allele origin: germline.
Comment: This variant is not present in population databases (gnomAD no frequency). For these reasons, this variant has been classified as Pathogenic. Algorithms developed to predict the effect of sequence changes on RNA splicing suggest that this variant may disrupt the consensus splice site. Disruption of this splice site has been observed in individual(s) with mucopolysaccharidosis II (PMID: 21291454, 33676511). This sequence change affects an acceptor splice site in intron 7 of the IDS gene. It is expected to disrupt RNA splicing. Variants that disrupt the donor or acceptor splice site typically lead to a loss of protein function (PMID: 16199547), and loss-of-function variants in IDS are known to be pathogenic (PMID: 8940265, 9875019).

Literature cited by the submitters: PubMed 33676511 (cited by Laboratory of Diagnosis and Therapy of Lysosomal Disorders, University of Padova and Labcorp Genetics (formerly Invitae), Labcorp); PubMed 21291454 (cited by Laboratory of Diagnosis and Therapy of Lysosomal Disorders, University of Padova and Labcorp Genetics (formerly Invitae), Labcorp); PubMed 16199547 (cited by Labcorp Genetics (formerly Invitae), Labcorp); PubMed 8940265 (cited by Labcorp Genetics (formerly Invitae), Labcorp); PubMed 9875019 (cited by Labcorp Genetics (formerly Invitae), Labcorp).

NM_000202.8(IDS):c.1007-1G>A

Genes: IDS (iduronate 2-sulfatase; minus strand), LOC106050102 (IDS recombination region; plus strand). Cytogenetic location: Xq28.
Variant type: single nucleotide variant.
Coding change: c.1007-1G>A on transcript NM_000202.8 (MANE Select); the canonical splice acceptor site of the intron before coding-DNA position 1007, G replaced by A.
Molecular consequence: splice acceptor variant.
Genome position (GRCh38, 1-based): chrX:149,487,099, C>T on the plus strand (G>A on the coding strand, the complement: IDS is on the minus strand). VCF-style: chrX-149487099-C-T. GRCh37 (hg19) VCF-style: chrX-148568630-C-T.
Other names: c.737-1G>A (NM_001166550.4).
Identifiers: ClinVar variation 2737384 (VCV002737384.5), dbSNP rs2520785671, ClinGen allele CA414519047.